The following is an entry in ClinVar:

ClinVar aggregate classification (germline): Uncertain significance (1 of 4 stars; one submission).

Conditions:
Cardiovascular phenotype. Identifiers: MedGen CN230736.

Submission:

Ambry Genetics
Classification: Uncertain significance for Cardiovascular phenotype. Last evaluated: 2026-04-18. Review status: criteria provided, single submitter. Criteria: Ambry Variant Classification Scheme 2023. Collection method: clinical testing. Allele origin: germline.
Comment: The p.P2580H variant (also known as c.7739C>A), located in coding exon 46 of the FLNC gene, results from a C to A substitution at nucleotide position 7739. The proline at codon 2580 is replaced by histidine, an amino acid with similar properties. This amino acid position is conserved. In addition, this alteration is predicted to be deleterious by in silico analysis. Based on the available evidence, the clinical significance of this variant remains unclear.

NM_001458.5(FLNC):c.7739C>A (p.Pro2580His)

Genes: FLNC (filamin C; plus strand), FLNC-AS1 (FLNC antisense RNA 1; minus strand). Cytogenetic location: 7q32.1.
Variant type: single nucleotide variant.
Coding change: c.7739C>A on transcript NM_001458.5 (MANE Select); coding-DNA position 7739, C replaced by A.
Protein change: p.Pro2580His; replaces proline 2580 with histidine.
Molecular consequence: missense variant.
Genome position (GRCh38, 1-based): chr7:128,857,295, C>A. VCF-style: chr7-128857295-C-A. GRCh37 (hg19) VCF-style: chr7-128497349-C-A.
Other names: c.7640C>A, p.Pro2547His (NM_001127487.2); short protein forms P2547H, P2580H.
Identifiers: ClinVar variation 4871462 (VCV004871462.1).